The following is an entry in ClinVar:

ClinVar aggregate classification (germline): Conflicting classifications of pathogenicity. Review status: criteria provided, conflicting classifications (1 of 4 stars). 5 submissions from 5 submitters: Uncertain significance (3); Likely benign (2). Last evaluated 2025-12-04.

Conditions:
Inborn genetic diseases. Identifiers: MedGen C0950123, MeSH D030342.

Allele frequency attached by ClinVar (database versions not stated): ExAC 0.00003; gnomAD 0.00004; TOPMed 0.00004; gnomAD exomes 0.00006 and 0.00015.
gnomAD v4.1: 225 of 1,613,858 alleles (0.014%); highest among the groups gnomAD compares: Non-Finnish European, 0.018%; no homozygotes.

Submissions (5):

Ambry Genetics
Classification: Likely benign for Inborn genetic diseases. Last evaluated: 2025-12-04. Review status: criteria provided, single submitter. Criteria: Ambry Variant Classification Scheme 2023. Collection method: clinical testing. Allele origin: germline.

Labcorp Genetics (formerly Invitae), Labcorp
Classification: Uncertain significance. Last evaluated: 2025-09-03. Review status: criteria provided, single submitter. Criteria: Invitae Variant Classification Sherloc (09022015). Collection method: clinical testing. Allele origin: germline.
Comment: This sequence change replaces threonine, which is neutral and polar, with alanine, which is neutral and non-polar, at codon 508 of the SAMD9L protein (p.Thr508Ala). This variant is present in population databases (rs774003032, gnomAD 0.01%). This variant has not been reported in the literature in individuals affected with SAMD9L-related conditions. ClinVar contains an entry for this variant (Variation ID: 1336960). Invitae Evidence Modeling of protein sequence and biophysical properties (such as structural, functional, and spatial information, amino acid conservation, physicochemical variation, residue mobility, and thermodynamic stability) indicates that this missense variant is not expected to disrupt SAMD9L protein function with a negative predictive value of 80%. In summary, the available evidence is currently insufficient to determine the role of this variant in disease. Therefore, it has been classified as a Variant of Uncertain Significance.

GeneDx
Classification: Uncertain significance. Last evaluated: 2024-08-15. Review status: criteria provided, single submitter. Criteria: GeneDx Variant Classification Process June 2021. Collection method: clinical testing. Allele origin: germline.
Comment: Has not been previously published as pathogenic or benign to our knowledge; In silico analysis indicates that this missense variant does not alter protein structure/function; This variant is associated with the following publications: (PMID: 28545555)

Blueprint Genetics
Classification: Likely benign. Last evaluated: 2024-04-26. Review status: criteria provided, single submitter. Criteria: ACMG Guidelines, 2015. Collection method: clinical testing. Allele origin: germline.

Genetic Services Laboratory, University of Chicago
Classification: Uncertain significance. Last evaluated: 2018-12-31. Review status: criteria provided, single submitter. Criteria: ACMG Guidelines, 2015. Collection method: clinical testing. Allele origin: germline. Affected: no.

NM_152703.5(SAMD9L):c.1522A>G (p.Thr508Ala)

Gene: SAMD9L (sterile alpha motif domain containing 9 like; minus strand). Cytogenetic location: 7q21.2.
Variant type: single nucleotide variant.
Coding change: c.1522A>G on transcript NM_152703.5 (MANE Select); coding-DNA position 1522, A replaced by G.
Protein change: p.Thr508Ala; replaces threonine 508 with alanine.
Molecular consequence: missense variant.
Genome position (GRCh38, 1-based): chr7:93,134,450, T>C on the plus strand (A>G on the coding strand, the complement: SAMD9L is on the minus strand). VCF-style: chr7-93134450-T-C. GRCh37 (hg19) VCF-style: chr7-92763763-T-C.
Other names: c.1522A>G (NM_152703.2, NM_152703.3); c.1522A>G, p.Thr508Ala (NM_001303496.3, NM_001303497.3, NM_001303498.3 and 5 more transcripts); short protein forms T508A.
Identifiers: ClinVar variation 1336960 (VCV001336960.12), dbSNP rs774003032, ClinGen allele CA4343713.